The following is an entry in ClinVar:

ClinVar aggregate classification (germline): Likely benign. Review status: criteria provided, multiple submitters, no conflicts (2 of 4 stars). 4 submissions from 4 submitters: Likely benign (4). Last evaluated 2026-04-21.

Conditions:
Cardiovascular phenotype. Identifiers: MedGen CN230736.
Autosomal recessive limb-girdle muscular dystrophy type 2J (LGMDR10). Also called: MUSCULAR DYSTROPHY, LIMB-GIRDLE, AUTOSOMAL RECESSIVE 10; Limb-girdle muscular dystrophy, type 2J. Identifiers: Orphanet 140922, MedGen C1837342, MONDO:0012127, OMIM 608807.
Dilated cardiomyopathy 1G (CMD1G). Identifiers: Orphanet 154, MedGen C1858763, MONDO:0011400, OMIM 604145.
TTN-related disorder. Also called: TTN-related condition; TTN-related disease; TTN-related disorders.

Allele frequency attached by ClinVar (database versions not stated): gnomAD 0.00002; gnomAD exomes 0.00002; TOPMed 0.00002; ExAC 0.00003.
gnomAD v4.1: 40 of 1,613,530 alleles (0.0025%); highest among the groups gnomAD compares: Admixed American, 0.015%; no homozygotes.

Submissions (4):

PreventionGenetics, part of Exact Sciences
Classification: Likely benign for TTN-related condition. Last evaluated: 2026-04-21. Review status: criteria provided, single submitter. Criteria: ACMG Guidelines, 2015. Collection method: clinical testing. Allele origin: germline.
Comment: This variant is classified as likely benign based on ACMG/AMP sequence variant interpretation guidelines (Richards et al. 2015 PMID: 25741868, with internal and published modifications).

Labcorp Genetics (formerly Invitae), Labcorp
Classification: Likely benign for Dilated cardiomyopathy 1G; Autosomal recessive limb-girdle muscular dystrophy type 2J. Last evaluated: 2026-01-04. Review status: criteria provided, single submitter. Criteria: Invitae Variant Classification Sherloc (09022015). Collection method: clinical testing. Allele origin: germline.

Women's Health and Genetics/Laboratory Corporation of America, LabCorp
Classification: Likely benign. Last evaluated: 2022-07-10. Review status: criteria provided, single submitter. Criteria: LabCorp Variant Classification Summary - May 2015. Collection method: clinical testing. Allele origin: germline.

Ambry Genetics
Classification: Likely benign for Cardiovascular phenotype. Last evaluated: 2013-09-12. Review status: criteria provided, single submitter. Criteria: Ambry Autosomal Dominant and X-Linked criteria (10/2015). Collection method: clinical testing. Allele origin: germline. Observed: 1 variant allele.

NM_001267550.2(TTN):c.95550G>A (p.Lys31850=)

Genes: TTN (titin; minus strand), TTN-AS1 (TTN antisense RNA 1; plus strand). Cytogenetic location: 2q31.2.
Variant type: single nucleotide variant.
Coding change: c.95550G>A on transcript NM_001267550.2 (MANE Select); coding-DNA position 95550, G replaced by A.
Protein change: p.Lys31850=; no amino-acid change (lysine 31850 retained).
Molecular consequence: synonymous variant.
Genome position (GRCh38, 1-based): chr2:178,545,560, C>T on the plus strand (G>A on the coding strand, the complement: TTN is on the minus strand). VCF-style: chr2-178545560-C-T. GRCh37 (hg19) VCF-style: chr2-179410287-C-T.
Other names: c.90627G>A, p.Lys30209= (NM_001256850.1); c.68355G>A, p.Lys22785= (NM_003319.4); c.87846G>A, p.Lys29282= (NM_133378.4); c.68730G>A, p.Lys22910= (NM_133432.3); c.68931G>A, p.Lys22977= (NM_133437.4).
Identifiers: ClinVar variation 263715 (VCV000263715.19), dbSNP rs775609788, ClinGen allele CA1986934.
Genomic context (GRCh38, chr2:178,545,560, plus strand): 5'-CACCTTCAGCCTGGTATCATACACCACATAGTCTTTGTTGACACGTGTCCAGCGCAGGCT[C>T]TTCTTCTCACGTTTGTCTACTAGGTAGTTGCTGATTTCATTGCCACCATCAGATTCAGGT-3'
Protein context (NP_001254479.2, residues 31840-31860): SNYLVDKREK[Lys31850=]SLRWTRVNKD